The following is an entry in ClinVar:

NM_001927.4(DES):c.897+13_897+14delinsCT

Gene: DES (desmin; plus strand). Cytogenetic location: 2q35.
Variant type: Indel.
Coding change: c.897+13_897+14delinsCT on transcript NM_001927.4 (MANE Select); bases 13 to 14 of the intron after coding-DNA position 897, GC replaced by CT.
Molecular consequence: intron variant.
Genome position (GRCh38, 1-based): chr2:219,420,669-219,420,670, GC replaced by CT. VCF-style: chr2-219420669-GC-CT. GRCh37 (hg19) VCF-style: chr2-220285391-GC-CT.
Other names: c.897+13_897+14delinsCT (NM_001382712.1, NM_001382711.1, NM_001382710.1); c.735+323_735+324delinsCT (NM_001382709.1); c.894+13_894+14delinsCT (NM_001382708.1); c.627+13_627+14delinsCT (NM_001382713.1).
Identifiers: ClinVar variation 2929459 (VCV002929459.3), dbSNP rs2545252666, ClinGen allele CA2740096447.

ClinVar aggregate classification (germline): Uncertain significance (1 of 4 stars; one submission).

Conditions:
Desmin-related myofibrillar myopathy (MFM1). Also called: MYOFIBRILLAR MYOPATHY WITH ARRHYTHMOGENIC RIGHT VENTRICULAR CARDIOMYOPATHY; DESMIN-RELATED MYOPATHY WITH ARRHYTHMOGENIC RIGHT VENTRICULAR CARDIOMYOPATHY; Myofibrillar myopathy 1; Desminopathy; Desmin related myopathy (former name); Desmin storage myopathy (former name). Identifiers: Orphanet 363543, Orphanet 98909, MedGen C1832370, MONDO:0011076, OMIM 601419.

Submission:

Labcorp Genetics (formerly Invitae), Labcorp
Classification: Uncertain significance for Desmin-related myofibrillar myopathy. Last evaluated: 2025-11-11. Review status: criteria provided, single submitter. Criteria: Invitae Variant Classification Sherloc (09022015). Collection method: clinical testing. Allele origin: germline.
Comment: This sequence change falls in intron 4 of the DES gene. It does not directly change the encoded amino acid sequence of the DES protein. Information on the frequency of this variant in the gnomAD database is not available, as this variant may be reported differently in the database. This variant has not been reported in the literature in individuals affected with DES-related conditions. ClinVar contains an entry for this variant (Variation ID: 2929459). Experimental studies and prediction algorithms are not available or were not evaluated, and the effect of this variant on mRNA splicing is currently unknown. In summary, the available evidence is currently insufficient to determine the role of this variant in disease. Therefore, it has been classified as a Variant of Uncertain Significance.